The following is an entry in ClinVar:

NM_001303052.2(MYT1L):c.3080+8229G>T

Gene: MYT1L (myelin transcription factor 1 like; minus strand). Cytogenetic location: 2p25.3.
Variant type: single nucleotide variant.
Coding change: c.3080+8229G>T on transcript NM_001303052.2 (MANE Select); 8229 bases into the intron after coding-DNA position 3080, G replaced by T.
Molecular consequence: intron variant.
Genome position (GRCh38, 1-based): chr2:1,830,920, C>A on the plus strand (G>T on the coding strand, the complement: MYT1L is on the minus strand). VCF-style: chr2-1830920-C-A. GRCh37 (hg19) VCF-style: chr2-1834692-C-A.
Other names: c.3074+8229G>T (NM_015025.4, NM_001329847.2, NM_001329848.1 and 3 more transcripts); c.3080+8229G>T (NM_001329844.2, NM_001329845.1, NM_001329851.3).
Identifiers: ClinVar variation 2650613 (VCV002650613.24), dbSNP rs2040074670, ClinGen allele CA1026861670.

ClinVar aggregate classification (germline): Uncertain significance (1 of 4 stars; one submission).

Allele frequency attached by ClinVar (database versions not stated): TOPMed 0.00001; gnomAD 0.00001.
gnomAD v4.1: 1 of 152,196 alleles (0.00066%); highest among the groups gnomAD compares: Non-Finnish European, 0.0015%; no homozygotes.

Submission:

CeGaT Center for Human Genetics Tuebingen
Classification: Uncertain significance. Last evaluated: 2023-01-01. Review status: criteria provided, single submitter. Criteria: CeGaT Center For Human Genetics Tuebingen Variant Classification Criteria Version 2. Collection method: clinical testing. Allele origin: germline. Affected: yes. Observed: 1 variant allele.
Comment: MYT1L: PP2, BP4